The following is an entry in ClinVar:

ClinVar aggregate classification (germline): Likely benign (1 of 4 stars; one submission).

gnomAD v4.1: 222 of 1,613,552 alleles (0.014%); highest among the groups gnomAD compares: Middle Eastern, 0.033%; no homozygotes.

Submission:

Mayo Clinic Laboratories, Mayo Clinic
Classification: Likely benign. Last evaluated: 2024-11-14. Review status: criteria provided, single submitter. Criteria: ACMG Guidelines, 2015. Collection method: clinical testing. Allele origin: germline. Observed: 2 variant alleles.
Comment: BP4, BP7

NM_001346249.2(RALGAPA1):c.1137C>T (p.Ser379=)

Gene: RALGAPA1 (Ral GTPase activating protein catalytic subunit alpha 1; minus strand). Cytogenetic location: 14q13.2.
Variant type: single nucleotide variant.
Coding change: c.1137C>T on transcript NM_001346249.2 (MANE Select); coding-DNA position 1137, C replaced by T.
Protein change: p.Ser379=; no amino-acid change (serine 379 retained).
Molecular consequence: synonymous variant.
Genome position (GRCh38, 1-based): chr14:35,748,699, G>A on the plus strand (C>T on the coding strand, the complement: RALGAPA1 is on the minus strand). VCF-style: chr14-35748699-G-A. GRCh37 (hg19) VCF-style: chr14-36217905-G-A.
Other names: p.Ser379=; c.1137C>T, p.Ser379= (NM_001346243.2, NM_001346245.2, NM_001346246.2 and 7 more transcripts).
Identifiers: ClinVar variation 4683850 (VCV004683850.1).
Genomic context (GRCh38, chr14:35,748,699, plus strand): 5'-TCTGCGAACTATTTCAATGTCTGTGAGATGTTCTTCATCAATACTACAGAGACTAGATGA[G>A]CTAGGTTCTCGCTCCGTGAGAGTGCTTGTATTGGAATGAGACTGTTCGGGTTCTGTAGTT-3'
Protein context (NP_001333178.1, residues 369-389): NTSTLTEREP[Ser379=]SSSLCSIDEE